The following is an entry in ClinVar:

NM_001367624.2(ZNF469):c.4577A>G (p.Lys1526Arg)

Gene: ZNF469 (zinc finger protein 469; plus strand). Cytogenetic location: 16q24.2.
Variant type: single nucleotide variant.
Coding change: c.4577A>G on transcript NM_001367624.2 (MANE Select); coding-DNA position 4577, A replaced by G.
Protein change: p.Lys1526Arg; replaces lysine 1526 with arginine.
Molecular consequence: missense variant.
Genome position (GRCh38, 1-based): chr16:88,432,047, A>G. VCF-style: chr16-88432047-A-G. GRCh37 (hg19) VCF-style: chr16-88498455-A-G.
Other names: NM_001127464.1:c.4493A>G; short protein forms K1526R.
Identifiers: ClinVar variation 2497318 (VCV002497318.2), dbSNP rs2507587970, ClinGen allele CA397092435.
Genomic context (GRCh38, chr16:88,432,047, plus strand): 5'-AAGTATCCCCGATGCTGCCTAGCCATTTTCCTGATCTCTCGGGGGGAAAGGTGCTCAGTA[A>G]GACGTGTCCCCCTGAACGGACAGTGGTTCCCGGCGCCGCCCCATCTTTGCCTGGGAAGGG-3'
Protein context (NP_001354553.1, residues 1516-1536): PDLSGGKVLS[Lys1526Arg]TCPPERTVVP

ClinVar aggregate classification (germline): Uncertain significance (1 of 4 stars; one submission).

Conditions:
Cardiovascular phenotype. Identifiers: MedGen CN230736.

Submission:

Ambry Genetics
Classification: Uncertain significance for Cardiovascular phenotype. Last evaluated: 2023-02-16. Review status: criteria provided, single submitter. Criteria: Ambry Variant Classification Scheme 2023. Collection method: clinical testing. Allele origin: germline.
Comment: The p.K1498R variant (also known as c.4493A>G), located in coding exon 2 of the ZNF469 gene, results from an A to G substitution at nucleotide position 4493. The lysine at codon 1498 is replaced by arginine, an amino acid with highly similar properties. This amino acid position is conserved. In addition, this alteration is predicted to be tolerated by in silico analysis. Since supporting evidence is limited at this time, the clinical significance of this alteration remains unclear.